The following is an entry in ClinVar:

NM_003640.5(ELP1):c.2436C>T (p.Asp812=)

Gene: ELP1 (elongator acetyltransferase complex subunit 1; minus strand). Cytogenetic location: 9q31.3.
Variant type: single nucleotide variant.
Coding change: c.2436C>T on transcript NM_003640.5 (MANE Select); coding-DNA position 2436, C replaced by T.
Protein change: p.Asp812=; no amino-acid change (aspartic acid 812 retained).
Molecular consequence: synonymous variant.
Genome position (GRCh38, 1-based): chr9:108,897,213, G>A on the plus strand (C>T on the coding strand, the complement: ELP1 is on the minus strand). VCF-style: chr9-108897213-G-A. GRCh37 (hg19) VCF-style: chr9-111659493-G-A.
Other names: c.2436C>T (LRG_251t1, NM_003640.4); c.2094C>T, p.Asp698= (NM_001318360.2); c.1389C>T, p.Asp463= (NM_001330749.2).
Identifiers: ClinVar variation 455960 (VCV000455960.23), dbSNP rs113967847, ClinGen allele CA5174646.

ClinVar aggregate classification (germline): Conflicting classifications of pathogenicity. Review status: criteria provided, conflicting classifications (1 of 4 stars). 6 submissions from 6 submitters: Uncertain significance (1); Likely benign (4). 1 of the submissions does not count toward it. Last evaluated 2026-01-31.

Conditions:
ELP1-related disorder. Also called: ELP1-related condition.
Familial dysautonomia. Also called: HSAN III; FD. Identifiers: Orphanet 1764, MedGen C0013364, MONDO:0009131, OMIM 223900. Disease mechanism: loss of function.

Allele frequency attached by ClinVar (database versions not stated): 1000 Genomes Project 30x 0.00078; gnomAD exomes 0.00004 and 0.00010; ExAC 0.00009; gnomAD 0.00032 and 0.00036; TOPMed 0.00037; ESP Exome Variant Server 0.00046; 1000 Genomes Project 0.00060.
gnomAD v4.1: 117 of 1,613,998 alleles (0.0072%); highest among the groups gnomAD compares: African/African-American, 0.11%; no homozygotes.

Submissions (6):

Labcorp Genetics (formerly Invitae), Labcorp
Classification: Likely benign. Last evaluated: 2026-01-31. Review status: criteria provided, single submitter. Criteria: Invitae Variant Classification Sherloc (09022015). Collection method: clinical testing. Allele origin: germline.

PreventionGenetics, part of Exact Sciences
Classification: Likely benign for ELP1-related condition. Last evaluated: 2025-09-23. Review status: criteria provided, single submitter. Criteria: ACMG Guidelines, 2015. Collection method: clinical testing. Allele origin: germline.
Comment: This variant is classified as likely benign based on ACMG/AMP sequence variant interpretation guidelines (Richards et al. 2015 PMID: 25741868, with internal and published modifications).

Ambry Genetics
Classification: Likely benign. Last evaluated: 2025-02-23. Review status: criteria provided, single submitter. Criteria: Ambry Variant Classification Scheme 2023. Collection method: clinical testing. Allele origin: germline.

GeneDx
Classification: Likely benign. Last evaluated: 2018-06-06. Review status: criteria provided, single submitter. Criteria: GeneDx Variant Classification (06012015). Collection method: clinical testing. Allele origin: germline. Affected: yes.
Comment: This variant is considered likely benign or benign based on one or more of the following criteria: it is a conservative change, it occurs at a poorly conserved position in the protein, it is predicted to be benign by multiple in silico algorithms, and/or has population frequency not consistent with disease.

Illumina Laboratory Services, Illumina
Classification: Uncertain significance for Familial dysautonomia. Last evaluated: 2018-01-13. Review status: criteria provided, single submitter. Criteria: ICSL Variant Classification Criteria 13 December 2019. Collection method: clinical testing. Allele origin: germline.

Natera, Inc.
Classification: Likely benign for Familial dysautonomia. Last evaluated: 2020-10-06. Review status: no assertion criteria provided. Collection method: clinical testing. Allele origin: germline. Not counted in ClinVar's aggregate classification.